The following is an entry in ClinVar:

NM_198253.3(TERT):c.1883A>G (p.Asp628Gly)

Gene: TERT (telomerase reverse transcriptase; minus strand). Cytogenetic location: 5p15.33.
Variant type: single nucleotide variant.
Coding change: c.1883A>G on transcript NM_198253.3 (MANE Select); coding-DNA position 1883, A replaced by G.
Protein change: p.Asp628Gly; replaces aspartic acid 628 with glycine.
Molecular consequence: missense variant. On other transcripts: non-coding transcript variant (2).
Genome position (GRCh38, 1-based): chr5:1,280,225, T>C on the plus strand (A>G on the coding strand, the complement: TERT is on the minus strand). VCF-style: chr5-1280225-T-C. GRCh37 (hg19) VCF-style: chr5-1280340-T-C.
Other names: c.1883A>G, p.Asp628Gly (NM_001193376.3); short protein forms D628G.
Identifiers: ClinVar variation 4865452 (VCV004865452.1).
Genomic context (GRCh38, chr5:1,280,225, plus strand): 5'-TCTCTGCGGAACGTTCTGGCTCCCACGACGTAGTCCATGTTCACAATCGGCCGCAGCCCG[T>C]CAGGCTTGGGGATGAAGCGGAGTCTGGACGTCAGCAGGGCGGGCCTGGCTTCCCGATGCT-3'
Protein context (NP_937983.2, residues 618-638): TSRLRFIPKP[Asp628Gly]GLRPIVNMDY

ClinVar aggregate classification (germline): Uncertain significance (1 of 4 stars; one submission).

Conditions:
Dyskeratosis congenita. Identifiers: Orphanet 1775, MedGen C0265965, MONDO:0015780.

Submission:

Ambry Genetics
Classification: Uncertain significance for Dyskeratosis congenita. Last evaluated: 2026-03-17. Review status: criteria provided, single submitter. Criteria: Ambry Variant Classification Scheme 2023. Collection method: clinical testing. Allele origin: germline.
Comment: The p.D628G variant (also known as c.1883A>G), located in coding exon 4 of the TERT gene, results from an A to G substitution at nucleotide position 1883. The aspartic acid at codon 628 is replaced by glycine, an amino acid with similar properties. This amino acid position is conserved. In addition, this alteration is predicted to be tolerated by in silico analysis. Based on the available evidence, the clinical significance of this variant remains unclear.